The following is an entry in ClinVar:

ClinVar aggregate classification (germline): Uncertain significance. Review status: criteria provided, single submitter (1 of 4 stars). 2 submissions from 2 submitters: Uncertain significance (1). 1 of the submissions does not count toward it. Last evaluated 2016-02-23.

Conditions:
FBXW4-related disorder. Also called: FBXW4-related condition.

Allele frequency attached by ClinVar (database versions not stated): gnomAD exomes 0.00014 and 0.00022; ExAC 0.00115; gnomAD 0.00197 and 0.00212; TOPMed 0.00240; 1000 Genomes Project 0.00260; 1000 Genomes Project 30x 0.00344.

Submissions (2):

Eurofins Ntd Llc (ga)
Classification: Uncertain significance. Last evaluated: 2016-02-23. Review status: criteria provided, single submitter. Criteria: EGL Classification Definitions 2015. Collection method: clinical testing. Allele origin: germline. Observed: 1 variant allele, 1 heterozygote.

PreventionGenetics, part of Exact Sciences
Classification: Benign for FBXW4-related condition. Last evaluated: 2019-07-15. Review status: no assertion criteria provided. Collection method: clinical testing. Allele origin: germline. Not counted in ClinVar's aggregate classification.
Comment: This variant is classified as benign based on ACMG/AMP sequence variant interpretation guidelines (Richards et al. 2015 PMID: 25741868, with internal and published modifications).

NM_022039.4(FBXW4):c.457G>A (p.Gly153Arg)

Genes: FBXW4 (F-box and WD repeat domain containing 4; minus strand), LOC130004563 (ATAC-STARR-seq lymphoblastoid silent region 2723; plus strand). Cytogenetic location: 10q24.32.
Variant type: single nucleotide variant.
Coding change: c.457G>A on transcript NM_022039.4 (MANE Select); coding-DNA position 457, G replaced by A.
Protein change: p.Gly153Arg; replaces glycine 153 with arginine.
Molecular consequence: missense variant. On other transcripts: non-coding transcript variant (1), intron variant (1).
Genome position (GRCh38, 1-based): chr10:101,694,649, C>T on the plus strand (G>A on the coding strand, the complement: FBXW4 is on the minus strand). VCF-style: chr10-101694649-C-T. GRCh37 (hg19) VCF-style: chr10-103454406-C-T.
Other names: c.-2+591G>A (NM_001323541.2); c.-9G>A (NM_022039.3); short protein forms G153R.
Identifiers: ClinVar variation 286085 (VCV000286085.7), dbSNP rs116070021, ClinGen allele CA5657498.